The following is an entry in ClinVar:

ClinVar aggregate classification (germline): Likely benign (1 of 4 stars; one submission).

Submission:

CeGaT Center for Human Genetics Tuebingen
Classification: Likely benign. Last evaluated: 2026-08-01. Review status: criteria provided, single submitter. Criteria: CeGaT Center For Human Genetics Tuebingen Variant Classification Criteria Version 2. Collection method: clinical testing. Allele origin: germline. Affected: yes. Observed: 1 variant allele.
Comment: AHNAK2: BP4, BP7

NM_138420.4(AHNAK2):c.2814T>C (p.Val938=)

Gene: AHNAK2 (AHNAK nucleoprotein 2; minus strand). Cytogenetic location: 14q32.33.
Variant type: single nucleotide variant.
Coding change: c.2814T>C on transcript NM_138420.4 (MANE Select); coding-DNA position 2814, T replaced by C.
Protein change: p.Val938=; no amino-acid change (valine 938 retained).
Molecular consequence: synonymous variant.
Genome position (GRCh38, 1-based): chr14:104,952,637, A>G on the plus strand (T>C on the coding strand, the complement: AHNAK2 is on the minus strand). VCF-style: chr14-104952637-A-G. GRCh37 (hg19) VCF-style: chr14-105418974-A-G.
Other names: c.2514T>C, p.Val838= (NM_001350929.2).
Identifiers: ClinVar variation 5038814 (VCV005038814.1).
Genomic context (GRCh38, chr14:104,952,637, plus strand): 5'-CTCGCCATCGGGGGCTGTCACTTCCGCCTTGGGGCCTTTCAGGTCCAGCTTGGGGCCCTT[A>G]ACATCTATCTGGGGGCCCTTGAGGTCCACTTTGGGCATCTTGAAACTGGGCATCTCCACT-3'
Protein context (NP_612429.2, residues 928-948): KVDLKGPQID[Val938=]KGPKLDLKGP